The following is an entry in ClinVar:

ClinVar aggregate classification (germline): Uncertain significance. Review status: criteria provided, multiple submitters, no conflicts (2 of 4 stars). 2 submissions from 2 submitters: Uncertain significance (2). Last evaluated 2026-07-13.

Conditions:
EPO-related disorder. Also called: EPO-related condition.

Allele frequency attached by ClinVar (database versions not stated): gnomAD exomes below 0.00001; ExAC 0.00001; TOPMed 0.00001; gnomAD 0.00002.

Submissions (2):

PreventionGenetics, part of Exact Sciences
Classification: Uncertain significance for EPO-related condition. Last evaluated: 2026-07-13. Review status: criteria provided, single submitter. Criteria: ACMG Guidelines, 2015. Collection method: clinical testing. Allele origin: germline.
Comment: The EPO c.569C>T variant is predicted to result in the amino acid substitution p.Thr190Ile. To our knowledge, this variant has not been reported in the literature. This variant is reported in 0.027% of alleles in individuals of East Asian descent in gnomAD. At this time, the clinical significance of this variant is uncertain due to the absence of conclusive functional and genetic evidence.

Ambry Genetics
Classification: Uncertain significance. Last evaluated: 2023-08-08. Review status: criteria provided, single submitter. Criteria: Ambry Variant Classification Scheme 2023. Collection method: clinical testing. Allele origin: germline.

NM_000799.4(EPO):c.569C>T (p.Thr190Ile)

Gene: EPO (erythropoietin; plus strand). Cytogenetic location: 7q22.1.
Variant type: single nucleotide variant.
Coding change: c.569C>T on transcript NM_000799.4 (MANE Select); coding-DNA position 569, C replaced by T.
Protein change: p.Thr190Ile; replaces threonine 190 with isoleucine.
Molecular consequence: missense variant.
Genome position (GRCh38, 1-based): chr7:100,723,120, C>T. VCF-style: chr7-100723120-C-T. GRCh37 (hg19) VCF-style: chr7-100320743-C-T.
Other names: short protein forms T190I.
Identifiers: ClinVar variation 2617264 (VCV002617264.3), dbSNP rs768257400, ClinGen allele CA4389594.